The following is an entry in ClinVar:

NM_004415.4(DSP):c.2135T>C (p.Val712Ala)

Gene: DSP (desmoplakin; plus strand). Cytogenetic location: 6p24.3.
Variant type: single nucleotide variant.
Coding change: c.2135T>C on transcript NM_004415.4 (MANE Select); coding-DNA position 2135, T replaced by C.
Protein change: p.Val712Ala; replaces valine 712 with alanine.
Molecular consequence: missense variant.
Genome position (GRCh38, 1-based): chr6:7,574,090, T>C. VCF-style: chr6-7574090-T-C. GRCh37 (hg19) VCF-style: chr6-7574323-T-C.
Other names: c.2135T>C, p.Val712Ala (NM_001008844.3, NM_001319034.2); short protein forms V712A.
Identifiers: ClinVar variation 1498512 (VCV001498512.8), dbSNP rs2113682966, ClinGen allele CA362680643.

ClinVar aggregate classification (germline): Uncertain significance (1 of 4 stars; one submission).

Conditions:
Arrhythmogenic cardiomyopathy with wooly hair and keratoderma. Also called: PALMOPLANTAR KERATODERMA WITH LEFT VENTRICULAR CARDIOMYOPATHY AND WOOLLY HAIR; Carvajal syndrome; Dilated cardiomyopathy with woolly hair and keratoderma; Arrhythmogenic cardiomyopathy with woolly hair and keratoderma. Identifiers: Orphanet 65282, MedGen C1854063, MONDO:0011581, OMIM 605676.
Arrhythmogenic right ventricular dysplasia 8 (ARVD8). Also called: Arrhythmogenic Right Ventricular Dysplasia/Cardiomyopathy 8; ARRHYTHMOGENIC RIGHT VENTRICULAR DYSPLASIA, FAMILIAL, 8; ARRHYTHMOGENIC RIGHT VENTRICULAR CARDIOMYOPATHY 8. Identifiers: MedGen C1843896, MONDO:0011831, OMIM 607450.

Allele frequency attached by ClinVar (database versions not stated): gnomAD exomes 0.00001.
gnomAD v4.1: 7 of 1,614,100 alleles (0.00043%); highest among the groups gnomAD compares: East Asian, 0.0022%; no homozygotes.

Submission:

Labcorp Genetics (formerly Invitae), Labcorp
Classification: Uncertain significance for Arrhythmogenic cardiomyopathy with wooly hair and keratoderma; Arrhythmogenic right ventricular dysplasia 8. Last evaluated: 2021-08-28. Review status: criteria provided, single submitter. Criteria: Invitae Variant Classification Sherloc (09022015). Collection method: clinical testing. Allele origin: germline.
Comment: This sequence change replaces valine with alanine at codon 712 of the DSP protein (p.Val712Ala). The valine residue is highly conserved and there is a small physicochemical difference between valine and alanine. This variant is not present in population databases (ExAC no frequency). This variant has not been reported in the literature in individuals affected with DSP-related conditions. Algorithms developed to predict the effect of missense changes on protein structure and function are either unavailable or do not agree on the potential impact of this missense change (SIFT: "Deleterious"; PolyPhen-2: "Benign"; Align-GVGD: "Class C15"). In summary, the available evidence is currently insufficient to determine the role of this variant in disease. Therefore, it has been classified as a Variant of Uncertain Significance.